The following is an entry in ClinVar:

ClinVar aggregate classification (germline): Likely pathogenic (1 of 4 stars; one submission).

Conditions:
Retinitis pigmentosa 28 (RP28). Identifiers: Orphanet 791, MedGen C1419614, MONDO:0011630, OMIM 606068.

Submission:

Natera, Inc.
Classification: Likely pathogenic for Retinitis pigmentosa type 28. Last evaluated: 2025-09-15. Review status: criteria provided, single submitter. Criteria: Natera Variant Classification Schema (03/2026). Collection method: clinical testing. Allele origin: germline.
Comment: The c.166C>T variant in FAM161A is a nonsense variant predicted to introduce a stop codon at amino acid 56. This variant is expected to result in nonsense mediated decay, truncation, or a dysfunctional protein product. This variant is rare in the general population with a frequency below the threshold expected for the associated phenotype(s). Given the available evidence, this variant is classified as Likely Pathogenic.

NM_001201543.2(FAM161A):c.166C>T (p.Gln56Ter)

Genes: FAM161A (FAM161 centrosomal protein A; minus strand), LOC129933843 (ATAC-STARR-seq lymphoblastoid active region 15839; plus strand). Cytogenetic location: 2p15.
Variant type: single nucleotide variant.
Coding change: c.166C>T on transcript NM_001201543.2 (MANE Select); coding-DNA position 166, C replaced by T.
Protein change: p.Gln56Ter; replaces glutamine 56 with a stop codon.
Molecular consequence: nonsense. On other transcripts: non-coding transcript variant (1).
Genome position (GRCh38, 1-based): chr2:61,853,876, G>A on the plus strand (C>T on the coding strand, the complement: FAM161A is on the minus strand). VCF-style: chr2-61853876-G-A. GRCh37 (hg19) VCF-style: chr2-62081011-G-A.
Other names: c.166C>T, p.Gln56Ter (NM_032180.3); short protein forms Q56*.
Identifiers: ClinVar variation 4814688 (VCV004814688.1).
Genomic context (GRCh38, chr2:61,853,876, plus strand): 5'-CAGCCCATGCGAGGTCCCAGCCCAAGTCCCGCCCCAGTATTACCGATGCCCCAGCGGGCT[G>A]AGCCACTTTCTCCTCCTCTTCGTCCTCCAAGATCGCCTCCGCTGCCGCCAGGGCCTTTAA-3'